The following is an entry in ClinVar:

ClinVar aggregate classification (germline): Uncertain significance. Review status: criteria provided, multiple submitters, no conflicts (2 of 4 stars). 6 submissions from 6 submitters: Uncertain significance (5). 1 of the submissions does not count toward it. Last evaluated 2026-08-10.

Conditions:
VPS13B-related disorder. Also called: VPS13B-related condition.
Inborn genetic diseases. Identifiers: MedGen C0950123, MeSH D030342.
Cohen syndrome (COH1). Also called: Cutis verticis gyrata, retinitis pigmentosa, and sensorineural deafness; PEPPER SYNDROME. Identifiers: Orphanet 193, MedGen C0265223, MONDO:0008999, OMIM 216550.

Allele frequency attached by ClinVar (database versions not stated): TOPMed below 0.00001.
gnomAD v4.1: 4 of 1,604,652 alleles (0.00025%); highest among the groups gnomAD compares: East Asian, 0.0022%; no homozygotes.

Submissions (6):

PreventionGenetics, part of Exact Sciences
Classification: Uncertain significance for VPS13B-related condition. Last evaluated: 2026-08-10. Review status: criteria provided, single submitter. Criteria: ACMG Guidelines, 2015. Collection method: clinical testing. Allele origin: germline.
Comment: The VPS13B c.1876C>A variant is predicted to result in the amino acid substitution p.Pro626Thr. To our knowledge, this variant has not been reported in the literature or in a large population database (gnomAD), indicating this variant is rare. At this time, the clinical significance of this variant is uncertain due to the absence of conclusive functional and genetic evidence.

Labcorp Genetics (formerly Invitae), Labcorp
Classification: Uncertain significance for Cohen syndrome. Last evaluated: 2026-01-05. Review status: criteria provided, single submitter. Criteria: Invitae Variant Classification Sherloc (09022015). Collection method: clinical testing. Allele origin: germline.
Comment: This sequence change replaces proline, which is neutral and non-polar, with threonine, which is neutral and polar, at codon 626 of the VPS13B protein (p.Pro626Thr). This variant is not present in population databases (gnomAD no frequency). This variant has not been reported in the literature in individuals affected with VPS13B-related conditions. ClinVar contains an entry for this variant (Variation ID: 661380). Invitae Evidence Modeling of protein sequence and biophysical properties (such as structural, functional, and spatial information, amino acid conservation, physicochemical variation, residue mobility, and thermodynamic stability) indicates that this missense variant is not expected to disrupt VPS13B protein function with a negative predictive value of 80%. In summary, the available evidence is currently insufficient to determine the role of this variant in disease. Therefore, it has been classified as a Variant of Uncertain Significance.

Revvity Omics, Revvity
Classification: Uncertain significance for Cohen syndrome. Last evaluated: 2025-01-30. Review status: criteria provided, single submitter. Criteria: ACMG Guidelines, 2015. Collection method: clinical testing. Allele origin: germline.

Ambry Genetics
Classification: Uncertain significance for Inborn genetic diseases. Last evaluated: 2024-05-29. Review status: criteria provided, single submitter. Criteria: Ambry Variant Classification Scheme 2023. Collection method: clinical testing. Allele origin: germline.

GeneDx
Classification: Uncertain significance. Last evaluated: 2023-04-24. Review status: criteria provided, single submitter. Criteria: GeneDx Variant Classification Process June 2021. Collection method: clinical testing. Allele origin: germline. Affected: yes.
Comment: Not observed at significant frequency in large population cohorts (gnomAD); In silico analysis supports that this missense variant has a deleterious effect on protein structure/function; Has not been previously published as pathogenic or benign to our knowledge

Natera, Inc.
Classification: Uncertain significance for Cohen syndrome. Last evaluated: 2020-10-13. Review status: no assertion criteria provided. Collection method: clinical testing. Allele origin: germline. Not counted in ClinVar's aggregate classification.

NM_152564.5(VPS13B):c.1876C>A (p.Pro626Thr)

Gene: VPS13B (vacuolar protein sorting 13 homolog B; plus strand). Cytogenetic location: 8q22.2.
Variant type: single nucleotide variant.
Coding change: c.1876C>A on transcript NM_152564.5 (MANE Select); coding-DNA position 1876, C replaced by A.
Protein change: p.Pro626Thr; replaces proline 626 with threonine.
Molecular consequence: missense variant.
Genome position (GRCh38, 1-based): chr8:99,147,873, C>A. VCF-style: chr8-99147873-C-A. GRCh37 (hg19) VCF-style: chr8-100160101-C-A.
Other names: c.1876C>A, p.Pro626Thr (NM_015243.3, NM_017890.5); c.1876C>A (NM_017890.3, NM_152564.4); short protein forms P626T.
Identifiers: ClinVar variation 661380 (VCV000661380.13), dbSNP rs1027919525, ClinGen allele CA182901563.